The following is an entry in ClinVar:

ClinVar aggregate classification (germline): Uncertain significance (1 of 4 stars; one submission).

Conditions:
Cardiovascular phenotype. Identifiers: MedGen CN230736.

Allele frequency attached by ClinVar (database versions not stated): gnomAD exomes below 0.00001.
gnomAD v4.1: 2 of 1,566,588 alleles (0.00013%); highest among the groups gnomAD compares: Middle Eastern, 0.017%; no homozygotes.

Submission:

Ambry Genetics
Classification: Uncertain significance for Cardiovascular phenotype. Last evaluated: 2023-11-02. Review status: criteria provided, single submitter. Criteria: Ambry Variant Classification Scheme 2023. Collection method: clinical testing. Allele origin: germline.
Comment: The p.R95L variant (also known as c.284G>T), located in coding exon 1 of the FKRP gene, results from a G to T substitution at nucleotide position 284. The arginine at codon 95 is replaced by leucine, an amino acid with dissimilar properties. This amino acid position is conserved. In addition, the in silico prediction for this alteration is inconclusive. Since supporting evidence is limited at this time, the clinical significance of this alteration remains unclear.

NM_024301.5(FKRP):c.284G>T (p.Arg95Leu)

Gene: FKRP (fukutin related protein; plus strand). Cytogenetic location: 19q13.32.
Variant type: single nucleotide variant.
Coding change: c.284G>T on transcript NM_024301.5 (MANE Select); coding-DNA position 284, G replaced by T.
Protein change: p.Arg95Leu; replaces arginine 95 with leucine.
Molecular consequence: missense variant.
Genome position (GRCh38, 1-based): chr19:46,755,734, G>T. VCF-style: chr19-46755734-G-T. GRCh37 (hg19) VCF-style: chr19-47258991-G-T.
Other names: c.284G>T, p.Arg95Leu (NM_001039885.3); short protein forms R95L.
Identifiers: ClinVar variation 3227827 (VCV003227827.1), dbSNP rs1599934590, ClinGen allele CA406495028.